The following is an entry in ClinVar:

NM_000261.2(MYOC):c.440G>A (p.Arg147Gln)

Gene: MYOC (myocilin; minus strand). Cytogenetic location: 1q24.3.
Variant type: single nucleotide variant.
Coding change: c.440G>A on transcript NM_000261.2 (MANE Select); coding-DNA position 440, G replaced by A.
Protein change: p.Arg147Gln; replaces arginine 147 with glutamine.
Molecular consequence: missense variant.
Genome position (GRCh38, 1-based): chr1:171,652,172, C>T on the plus strand (G>A on the coding strand, the complement: MYOC is on the minus strand). VCF-style: chr1-171652172-C-T. GRCh37 (hg19) VCF-style: chr1-171621312-C-T.
Other names: NM_000261.2(MYOC):c.440G>A; p.Arg147Gln; short protein forms R147Q.
Identifiers: ClinVar variation 293718 (VCV000293718.18), dbSNP rs114283307, ClinGen allele CA1244277.

ClinVar aggregate classification (germline): Likely benign. Review status: reviewed by expert panel (3 of 4 stars). 3 submissions from 2 submitters: Likely benign (1). 2 of the submissions do not count toward it. Last evaluated 2025-11-12.

Conditions:
Glaucoma 1, open angle, A (GLC1A). Also called: Glaucoma, Dominant (Juvenile Onset). Identifiers: Orphanet 98977, MedGen C1842028, MONDO:0007664, OMIM 137750.
Open-angle glaucoma. Identifiers: MedGen C0017612, MONDO:0005338, HP:0012108.
Glaucoma. Identifiers: MedGen C0017601, MONDO:0005041, HP:0000501.

Allele frequency attached by ClinVar (database versions not stated): TOPMed 0.00022; gnomAD 0.00029 and 0.00028; 1000 Genomes Project 30x 0.00031; 1000 Genomes Project 0.00020; ESP Exome Variant Server 0.00054; ExAC 0.00030.
gnomAD v4.1: 431 of 1,614,168 alleles (0.027%); highest among the groups gnomAD compares: Non-Finnish European, 0.01%; 1 homozygote.

Submissions (3):

ClinGen Glaucoma Variant Curation Expert Panel
Classification: Likely benign for Open-angle glaucoma. Last evaluated: 2025-11-12. Review status: reviewed by expert panel. Criteria: ClinGen Glaucoma ACMG Specifications V2.0.0 Approved. Collection method: curation. Allele origin: germline. Inheritance: Autosomal dominant inheritance.
Comment: The c.440G>A variant in MYOC is a missense variant predicted to cause substitution of Arginine by Glutamine at amino acid 147 (p.Arg147Gln). The highest minor allele frequency of this variant was in the Ashkenazi Jewish genetic ancestry group of gnomAD (v4.1.0) = 0.008748, which met the ≥ 0.001 threshold set for BS1 (259 alleles out of 29,606, meeting the threshold of ≥ 5 of at least 2,000 observed alleles). The REVEL score = 0.082, which was within the 0.017-0.183 range for BP4_Moderate, suggesting that the variant does not impact MYOC function. There was no functional evidence predicting a damaging or benign impact of this variant on MYOC function. Although a proband with primary open angle glaucoma had been reported carrying this variant, PM2_Supporting was not met, therefore PS4 did not apply. In summary, this variant met the criteria to receive a score of -6 and to be classified as likely benign (likely benign classification range -2 to -6, adapted from PMID: 32720330) for primary open angle glaucoma based on the ACMG/AMP criteria met, as specified by the ClinGen Glaucoma VCEP (v2.0.0, 5 Dec 2024): BS1, BP4_Moderate

Illumina Laboratory Services, Illumina
Classification: Uncertain significance for Glaucoma 1, open angle, A. Last evaluated: 2018-01-13. Review status: criteria provided, single submitter. Criteria: ICSL Variant Classification Criteria 13 December 2019. Collection method: clinical testing. Allele origin: germline. Not counted in ClinVar's aggregate classification.

Illumina Laboratory Services, Illumina
Classification: Uncertain significance for Glaucoma. Last evaluated: 2018-01-13. Review status: criteria provided, single submitter. Criteria: ICSL Variant Classification Criteria 13 December 2019. Collection method: clinical testing. Allele origin: germline. Not counted in ClinVar's aggregate classification.